The following is an entry in ClinVar:

ClinVar aggregate classification (germline): Uncertain significance. Review status: criteria provided, multiple submitters, no conflicts (2 of 4 stars). 2 submissions from 2 submitters: Uncertain significance (2). Last evaluated 2024-10-12.

Conditions:
Inborn genetic diseases. Identifiers: MedGen C0950123, MeSH D030342.

gnomAD v4.1: 25 of 1,613,542 alleles (0.0015%); highest among the groups gnomAD compares: Non-Finnish European, 0.0021%; no homozygotes.

Submissions (2):

Ambry Genetics
Classification: Uncertain significance for Inborn genetic diseases. Last evaluated: 2024-10-12. Review status: criteria provided, single submitter. Criteria: Ambry Variant Classification Scheme 2023. Collection method: clinical testing. Allele origin: germline.

Labcorp Genetics (formerly Invitae), Labcorp
Classification: Uncertain significance. Last evaluated: 2022-02-02. Review status: criteria provided, single submitter. Criteria: Invitae Variant Classification Sherloc (09022015). Collection method: clinical testing. Allele origin: germline.
Comment: In summary, the available evidence is currently insufficient to determine the role of this variant in disease. Therefore, it has been classified as a Variant of Uncertain Significance. Algorithms developed to predict the effect of missense changes on protein structure and function are either unavailable or do not agree on the potential impact of this missense change (SIFT: "Tolerated"; PolyPhen-2: "Not Available"; Align-GVGD: "Class C0"). This variant has not been reported in the literature in individuals affected with RIN2-related conditions. This variant is not present in population databases (gnomAD no frequency). This sequence change replaces aspartic acid, which is acidic and polar, with asparagine, which is neutral and polar, at codon 445 of the RIN2 protein (p.Asp445Asn).

NM_018993.4(RIN2):c.1333G>A (p.Asp445Asn)

Gene: RIN2 (Ras and Rab interactor 2; plus strand). Cytogenetic location: 20p11.23.
Variant type: single nucleotide variant.
Coding change: c.1333G>A on transcript NM_018993.4 (MANE Select); coding-DNA position 1333, G replaced by A.
Protein change: p.Asp445Asn; replaces aspartic acid 445 with asparagine.
Molecular consequence: missense variant.
Genome position (GRCh38, 1-based): chr20:19,975,358, G>A. VCF-style: chr20-19975358-G-A. GRCh37 (hg19) VCF-style: chr20-19956002-G-A.
Other names: c.1480G>A, p.Asp494Asn (NM_001242581.2); c.715G>A, p.Asp239Asn (NM_001378238.1); c.1333G>A (NM_018993.3); short protein forms D239N, D494N, D445N.
Identifiers: ClinVar variation 1513678 (VCV001513678.5), dbSNP rs375067930, ClinGen allele CA312416615.
Genomic context (GRCh38, chr20:19,975,358, plus strand): 5'-GGCCGGCAGCGGCTGAGCGACATGAGCATTTCTACTTCCTCCTCCGACTCGCTGGAGTTC[G>A]ACCGGAGCATGCCTCTGTTTGGCTACGAGGCGGACACCAACAGCAGCCTGGAGGACTACG-3'
Protein context (NP_061866.1, residues 435-455): STSSSDSLEF[Asp445Asn]RSMPLFGYEA